The following is an entry in ClinVar:

NC_000001.10:g.(?_215987078)_(216019375_?)del

Gene: USH2A (usherin; minus strand). Cytogenetic location: 1q41.
Variant type: Deletion.
Identifiers: ClinVar variation 1068610 (VCV001068610.1).

ClinVar aggregate classification (germline): Pathogenic (1 of 4 stars; one submission).

Submission:

Labcorp Genetics (formerly Invitae), Labcorp
Classification: Pathogenic. Last evaluated: 2020-10-09. Review status: criteria provided, single submitter. Criteria: Invitae Variant Classification Sherloc (09022015). Collection method: clinical testing. Allele origin: germline.
Comment: This variant is an in-frame deletion of the genomic region encompassing exon 45-49 of the USH2A gene. It preserves the integrity of the reading frame. This variant has not been reported in the literature in individuals with USH2A-related conditions. The region of the USH2A gene that includes exons 45-49 has been determined to be clinically significant (PMID: 30190494, 30459346, Invitae). Therefore, deletions that encompass that region are likely to disrupt protein function and cause disease. For these reasons, this variant has been classified as Pathogenic.

Literature cited by the submitters: PubMed 30190494; PubMed 30459346.